The following is an entry in ClinVar:

NM_004006.3(DMD):c.3430C>T (p.Gln1144Ter)

Gene: DMD (dystrophin; minus strand). Cytogenetic location: Xp21.1.
Variant type: single nucleotide variant.
Coding change: c.3430C>T on transcript NM_004006.3 (MANE Select); coding-DNA position 3430, C replaced by T.
Protein change: p.Gln1144Ter; replaces glutamine 1144 with a stop codon.
Molecular consequence: nonsense.
Genome position (GRCh38, 1-based): chrX:32,463,441, G>A on the plus strand (C>T on the coding strand, the complement: DMD is on the minus strand). VCF-style: chrX-32463441-G-A. GRCh37 (hg19) VCF-style: chrX-32481558-G-A.
Other names: c.3406C>T, p.Gln1136Ter (NM_000109.4); c.3418C>T, p.Gln1140Ter (NM_004009.3); c.3061C>T, p.Gln1021Ter (NM_004010.3); short protein forms Q1021*, Q1136*, Q1140*, Q1144*.
Identifiers: ClinVar variation 1322364 (VCV001322364.9), dbSNP rs2148418069, ClinGen allele CA412664290.

ClinVar aggregate classification (germline): Likely pathogenic (1 of 4 stars; one submission).

Conditions:
Duchenne muscular dystrophy (DMD). Also called: MUSCULAR DYSTROPHY, PSEUDOHYPERTROPHIC PROGRESSIVE, DUCHENNE TYPE; Duchenne Muscular Dystrophy (DMD). Identifiers: Orphanet 98896, MedGen C0013264, MONDO:0010679, OMIM 310200.

Submission:

Labcorp Genetics (formerly Invitae), Labcorp
Classification: Likely pathogenic for Duchenne muscular dystrophy. Last evaluated: 2024-09-19. Review status: criteria provided, single submitter. Criteria: Invitae Variant Classification Sherloc (09022015). Collection method: clinical testing. Allele origin: germline.
Comment: This sequence change creates a premature translational stop signal (p.Gln1144*) in the DMD gene. RNA analysis indicates that this premature translational stop signal induces altered splicing and likely results in a shortened protein product. This variant is not present in population databases (gnomAD no frequency). This premature translational stop signal has been observed in individuals with DMD-related conditions (PMID: 19937601, 31919629). ClinVar contains an entry for this variant (Variation ID: 1322364). Studies have shown that this premature translational stop signal results in skipping of exon 25, but is expected to preserve the integrity of the reading-frame (PMID: 31919629). In summary, the currently available evidence indicates that the variant is pathogenic, but additional data are needed to prove that conclusively. Therefore, this variant has been classified as Likely Pathogenic.

Literature cited by the submitters: PubMed 19937601; PubMed 31919629.